The following is an entry in ClinVar:

ClinVar aggregate classification (germline): Benign/Likely benign. Review status: criteria provided, multiple submitters, no conflicts (2 of 4 stars). 4 submissions from 4 submitters: Benign (1); Likely benign (1). 2 of the submissions do not count toward it. Last evaluated 2026-01-28.

Conditions:
HPS1-related disorder. Also called: HPS1-related condition.
Hermansky-Pudlak syndrome (HPS). Also called: ALBINISM WITH HEMORRHAGIC DIATHESIS AND PIGMENTED RETICULOENDOTHELIAL CELLS. Identifiers: Orphanet 79430, MedGen C0079504, MONDO:0019312.
Hermansky-Pudlak syndrome 1 (HPS1). Also called: DELTA STORAGE POOL DISEASE. Identifiers: Orphanet 231500, Orphanet 79430, MedGen C2931875, MONDO:0008748, OMIM 203300.

Allele frequency attached by ClinVar (database versions not stated): ExAC 0.00034; TOPMed 0.00065; gnomAD 0.00076; 1000 Genomes Project 30x 0.00094; gnomAD exomes 0.00098; 1000 Genomes Project 0.00120.
gnomAD v4.1: 593 of 1,551,270 alleles (0.038%); highest among the groups gnomAD compares: East Asian, 0.95%; 3 homozygotes.

Submissions (4):

Labcorp Genetics (formerly Invitae), Labcorp
Classification: Benign. Last evaluated: 2026-01-28. Review status: criteria provided, single submitter. Criteria: Invitae Variant Classification Sherloc (09022015). Collection method: clinical testing. Allele origin: germline.

Illumina Laboratory Services, Illumina
Classification: Likely benign for Hermansky-Pudlak syndrome 1. Last evaluated: 2018-01-13. Review status: criteria provided, single submitter. Criteria: ICSL Variant Classification Criteria 13 December 2019. Collection method: clinical testing. Allele origin: germline.
Comment: This variant was observed in the ICSL laboratory as part of a predisposition screen in an ostensibly healthy population. It had not been previously curated by ICSL or reported in the Human Gene Mutation Database (HGMD: prior to June 1st, 2018), and was therefore a candidate for classification through an automated scoring system. Utilizing variant allele frequency, disease prevalence and penetrance estimates, and inheritance mode, an automated score was calculated to assess if this variant is too frequent to cause the disease. Based on the score and internal cut-off values, a variant classified as likely benign is not then subjected to further curation. The score for this variant resulted in a classification of likely benign for this disease.

PreventionGenetics, part of Exact Sciences
Classification: Benign for HPS1-related condition. Last evaluated: 2020-08-20. Review status: no assertion criteria provided. Collection method: clinical testing. Allele origin: germline. Not counted in ClinVar's aggregate classification.
Comment: This variant is classified as benign based on ACMG/AMP sequence variant interpretation guidelines (Richards et al. 2015 PMID: 25741868, with internal and published modifications).

Natera, Inc.
Classification: Benign for Hermansky-Pudlak syndrome. Last evaluated: 2020-04-10. Review status: no assertion criteria provided. Collection method: clinical testing. Allele origin: germline. Not counted in ClinVar's aggregate classification.

NM_000195.5(HPS1):c.952C>G (p.Leu318Val)

Gene: HPS1 (HPS1 biogenesis of lysosomal organelles complex 3 subunit 1; minus strand). Cytogenetic location: 10q24.2.
Variant type: single nucleotide variant.
Coding change: c.952C>G on transcript NM_000195.5 (MANE Select); coding-DNA position 952, C replaced by G.
Protein change: p.Leu318Val; replaces leucine 318 with valine.
Molecular consequence: missense variant. On other transcripts: 5 prime UTR variant (3).
Genome position (GRCh38, 1-based): chr10:98,427,250, G>C on the plus strand (C>G on the coding strand, the complement: HPS1 is on the minus strand). VCF-style: chr10-98427250-G-C. GRCh37 (hg19) VCF-style: chr10-100187007-G-C.
Other names: c.-21C>G (NM_001311345.2, NM_001322487.2, NM_001322489.2); c.952C>G, p.Leu318Val (NM_001322476.2, NM_001322477.2); c.853C>G, p.Leu285Val (NM_001322478.2, NM_001322479.2); c.691C>G, p.Leu231Val (NM_001322480.2, NM_001322481.2); c.592C>G, p.Leu198Val (NM_001322482.2); c.583C>G, p.Leu195Val (NM_001322483.2, NM_001322484.2); c.484C>G, p.Leu162Val (NM_001322485.2); short protein forms L318V, L162V, L231V, L285V, L195V, L198V.
Identifiers: ClinVar variation 298343 (VCV000298343.18), dbSNP rs201808262, ClinGen allele CA5639182.